The following is an entry in ClinVar:

ClinVar aggregate classification (germline): Uncertain significance. Review status: criteria provided, multiple submitters, no conflicts (2 of 4 stars). 3 submissions from 3 submitters: Uncertain significance (3). Last evaluated 2026-09-03.

Conditions:
PKD1-related disorder. Also called: PKD1-related condition.

Submissions (3):

Women's Health and Genetics/Laboratory Corporation of America, LabCorp
Classification: Uncertain significance. Last evaluated: 2026-09-03. Review status: criteria provided, single submitter. Criteria: LabCorp Variant Classification Summary - May 2015. Collection method: clinical testing. Allele origin: germline.
Comment: Variant summary: PKD1 c.5323G>A (p.Gly1775Ser) results in a non-conservative amino acid change located in the PKD domain (IPR000601) of the encoded protein sequence. Algorithms developed to predict the effect of missense changes on protein structure and function all suggest that this variant is likely to be disruptive. The variant allele was found at a frequency of 1.6e-05 in 248954 control chromosomes (gnomAD). The available data on variant occurrences in the general population are insufficient to allow any conclusion about variant significance. c.5323G>A has been observed in an individual affected with Autosomal Recessive Polycystic Kidney Disease with bialleleic pathogenic variants in the PKHD1 gene (Turczyn_2025). This report does not provide unequivocal conclusions about association of the variant with disease. To our knowledge, no experimental evidence demonstrating an impact on protein function has been reported. The following publications have been ascertained in the context of this evaluation (PMID: 31624253, 41300696, 41719223). ClinVar contains an entry for this variant (Variation ID: 3769249). Based on the evidence outlined above, the variant was classified as uncertain significance.

PreventionGenetics, part of Exact Sciences
Classification: Uncertain significance for PKD1-related condition. Last evaluated: 2025-06-25. Review status: criteria provided, single submitter. Criteria: ACMG Guidelines, 2015. Collection method: clinical testing. Allele origin: germline.
Comment: The PKD1 c.5323G>A variant is predicted to result in the amino acid substitution p.Gly1775Ser. This variant is reported in 0.0098% of alleles in individuals of South Asian descent in gnomAD. At this time, the clinical significance of this variant is uncertain due to the absence of conclusive functional and genetic evidence.

Blueprint Genetics
Classification: Uncertain significance. Last evaluated: 2023-02-22. Review status: criteria provided, single submitter. Criteria: ACMG Guidelines, 2015. Collection method: clinical testing. Allele origin: germline.

Literature cited by the submitters: PubMed 31624253 (cited by Women's Health and Genetics/Laboratory Corporation of America, LabCorp); PubMed 41300696 (cited by Women's Health and Genetics/Laboratory Corporation of America, LabCorp); PubMed 41719223 (cited by Women's Health and Genetics/Laboratory Corporation of America, LabCorp).

NM_001009944.3(PKD1):c.5323G>A (p.Gly1775Ser)

Gene: PKD1 (polycystin 1, transient receptor potential channel interacting; minus strand). Cytogenetic location: 16p13.3.
Variant type: single nucleotide variant.
Coding change: c.5323G>A on transcript NM_001009944.3 (MANE Select); coding-DNA position 5323, G replaced by A.
Protein change: p.Gly1775Ser; replaces glycine 1775 with serine.
Molecular consequence: missense variant.
Genome position (GRCh38, 1-based): chr16:2,109,844, C>T on the plus strand (G>A on the coding strand, the complement: PKD1 is on the minus strand). VCF-style: chr16-2109844-C-T. GRCh37 (hg19) VCF-style: chr16-2159845-C-T.
Other names: c.5323G>A, p.Gly1775Ser (NM_000296.4); short protein forms G1775S.
Identifiers: ClinVar variation 3769249 (VCV003769249.6).
Genomic context (GRCh38, chr16:2,109,844, plus strand): 5'-CCACGGTGGCGTTGGCTGAGCCCAGCGGGTTCCCTGCCGTCATGGTGACCAAGTGCAGGC[C>T]GGGTGTGGGGAAGCTATGGGTGGTAAATGGCTCGGAGGTCTCCCAGCTCAGCCCCTCCTC-3'
Protein context (NP_001009944.3, residues 1765-1785): PFTTHSFPTP[Gly1775Ser]LHLVTMTAGN